The following is an entry in ClinVar:

ClinVar aggregate classification (germline): Uncertain significance. Review status: criteria provided, multiple submitters, no conflicts (2 of 4 stars). 3 submissions from 3 submitters: Uncertain significance (3). Last evaluated 2025-09-19.

Conditions:
VWF-related disorder. Also called: VWF-related condition; VWF-related disorders.
von Willebrand disease type 1 (VWD1). Also called: VWD, TYPE 1; VON WILLEBRAND DISEASE, TYPE I. Identifiers: Orphanet 166078, Orphanet 903, MedGen C1264039, MONDO:0008668, OMIM 193400. Inheritance: autosomal recessive or autosomal dominant.
von Willebrand disease type 3 (VWD3). Also called: Type 3 Von Willebrand's disease; Type 3 VWD; Von Willebrand disease, severe form; V WD3; VON WILLEBRAND DISEASE, TYPE III. Identifiers: Orphanet 166096, MedGen C1264041, MONDO:0010191, OMIM 277480.
von Willebrand disease type 2 (VWD2). Also called: VON WILLEBRAND DISEASE, TYPE 2A/IIE; VON WILLEBRAND DISEASE, TYPE 2CB; VWD, TYPE 2; VON WILLEBRAND DISEASE, TYPE II. Identifiers: Orphanet 166081, Orphanet 903, MedGen C1264040, MONDO:0013304, OMIM 613554.

gnomAD v4.1: 91 of 1,613,924 alleles (0.0056%); highest among the groups gnomAD compares: Non-Finnish European, 0.0077%; no homozygotes.

Submissions (3):

PreventionGenetics, part of Exact Sciences
Classification: Uncertain significance for VWF-related condition. Last evaluated: 2025-09-19. Review status: criteria provided, single submitter. Criteria: ACMG Guidelines, 2015. Collection method: clinical testing. Allele origin: germline.
Comment: The VWF c.931A>G variant is predicted to result in the amino acid substitution p.Thr311Ala. To our knowledge, this variant has not been reported in the literature. This variant is reported in 0.0035% of alleles in individuals of European (Non-Finnish) descent in gnomAD. At this time, the clinical significance of this variant is uncertain due to the absence of conclusive functional and genetic evidence.

GeneDx
Classification: Uncertain significance. Last evaluated: 2025-06-26. Review status: criteria provided, single submitter. Criteria: GeneDx Variant Classification Process June 2021. Collection method: clinical testing. Allele origin: germline. Affected: yes.
Comment: Not observed at significant frequency in large population cohorts (gnomAD); In silico analysis supports that this missense variant has a deleterious effect on protein structure/function; Has not been previously published as pathogenic or benign to our knowledge

Department of Pathology and Laboratory Medicine, Sinai Health System
Classification: Uncertain significance for von Willebrand disease type 1; von Willebrand disease type 3; von Willebrand disease type 2. Last evaluated: 2020-05-05. Review status: criteria provided, single submitter. Criteria: ACMG Guidelines, 2015. Collection method: research. Allele origin: germline.

NM_000552.5(VWF):c.931A>G (p.Thr311Ala)

Gene: VWF (von Willebrand factor; minus strand). Cytogenetic location: 12p13.31.
Variant type: single nucleotide variant.
Coding change: c.931A>G on transcript NM_000552.5 (MANE Select); coding-DNA position 931, A replaced by G.
Protein change: p.Thr311Ala; replaces threonine 311 with alanine.
Molecular consequence: missense variant.
Genome position (GRCh38, 1-based): chr12:6,073,685, T>C on the plus strand (A>G on the coding strand, the complement: VWF is on the minus strand). VCF-style: chr12-6073685-T-C. GRCh37 (hg19) VCF-style: chr12-6182851-T-C.
Other names: c.931A>G (NM_000552.3, NM_000552.4); short protein forms T311A.
Identifiers: ClinVar variation 3892872 (VCV003892872.3).